The following is an entry in ClinVar:

ClinVar aggregate classification (germline): Conflicting classifications of pathogenicity. Review status: criteria provided, conflicting classifications (1 of 4 stars). 3 submissions from 3 submitters: Uncertain significance (2); Likely benign (1). Last evaluated 2025-08-30.

Conditions:
Inborn genetic diseases. Identifiers: MedGen C0950123, MeSH D030342.

gnomAD v4.1: 12 of 1,611,540 alleles (0.00074%); highest among the groups gnomAD compares: Middle Eastern, 0.016%; no homozygotes.

Submissions (3):

Ambry Genetics
Classification: Uncertain significance for Inborn genetic diseases. Last evaluated: 2025-08-30. Review status: criteria provided, single submitter. Criteria: Ambry Variant Classification Scheme 2023. Collection method: clinical testing. Allele origin: germline.

Labcorp Genetics (formerly Invitae), Labcorp
Classification: Uncertain significance. Last evaluated: 2025-08-03. Review status: criteria provided, single submitter. Criteria: Invitae Variant Classification Sherloc (09022015). Collection method: clinical testing. Allele origin: germline.
Comment: This sequence change replaces arginine, which is basic and polar, with glycine, which is neutral and non-polar, at codon 219 of the KMT2E protein (p.Arg219Gly). This variant is present in population databases (rs748060158, gnomAD 0.008%). This variant has not been reported in the literature in individuals affected with KMT2E-related conditions. Invitae Evidence Modeling of protein sequence and biophysical properties (such as structural, functional, and spatial information, amino acid conservation, physicochemical variation, residue mobility, and thermodynamic stability) has been performed for this missense variant. However, the output from this modeling did not meet the statistical confidence thresholds required to predict the impact of this variant on KMT2E protein function. In summary, the available evidence is currently insufficient to determine the role of this variant in disease. Therefore, it has been classified as a Variant of Uncertain Significance.

Blueprint Genetics
Classification: Likely benign. Last evaluated: 2022-09-09. Review status: criteria provided, single submitter. Criteria: ACMG Guidelines, 2015. Collection method: clinical testing. Allele origin: germline.

NM_182931.3(KMT2E):c.655A>G (p.Arg219Gly)

Gene: KMT2E (lysine methyltransferase 2E (inactive); plus strand). Cytogenetic location: 7q22.3.
Variant type: single nucleotide variant.
Coding change: c.655A>G on transcript NM_182931.3 (MANE Select); coding-DNA position 655, A replaced by G.
Protein change: p.Arg219Gly; replaces arginine 219 with glycine.
Molecular consequence: missense variant.
Genome position (GRCh38, 1-based): chr7:105,074,741, A>G. VCF-style: chr7-105074741-A-G. GRCh37 (hg19) VCF-style: chr7-104715188-A-G.
Other names: c.655A>G, p.Arg219Gly (NM_001410908.1, NM_018682.4); short protein forms R219G.
Identifiers: ClinVar variation 4094372 (VCV004094372.3).